The following is an entry in ClinVar:

NM_000642.3(AGL):c.4348G>T (p.Glu1450Ter)

Gene: AGL (amylo-alpha-1,6-glucosidase and 4-alpha-glucanotransferase; plus strand). Cytogenetic location: 1p21.2.
Variant type: single nucleotide variant.
Coding change: c.4348G>T on transcript NM_000642.3 (MANE Select); coding-DNA position 4348, G replaced by T.
Protein change: p.Glu1450Ter; replaces glutamic acid 1450 with a stop codon.
Molecular consequence: nonsense.
Genome position (GRCh38, 1-based): chr1:99,916,598, G>T. VCF-style: chr1-99916598-G-T. GRCh37 (hg19) VCF-style: chr1-100382154-G-T.
Other names: c.4348G>T, p.Glu1450Ter (NM_000028.3, NM_000643.3, NM_000644.3 and 1 more transcripts); c.4300G>T, p.Glu1434Ter (NM_000646.3); c.4327G>T, p.Glu1443Ter (NM_001425326.1); c.4147G>T, p.Glu1383Ter (NM_001425327.1); c.4144G>T, p.Glu1382Ter (NM_001425328.1); c.4009G>T, p.Glu1337Ter (NM_001425329.1); c.3970G>T, p.Glu1324Ter (NM_001425332.1); short protein forms E1450*, E1434*, E1324*, E1337*, E1382*, E1383*, E1443*.
Identifiers: ClinVar variation 558208 (VCV000558208.8), dbSNP rs1553193486, ClinGen allele CA341342390.

ClinVar aggregate classification (germline): Pathogenic/Likely pathogenic. Review status: criteria provided, multiple submitters, no conflicts (2 of 4 stars). 4 submissions from 4 submitters: Pathogenic (2); Likely pathogenic (1). 1 of the submissions does not count toward it. Last evaluated 2024-01-23.

Conditions:
Glycogen storage disease type III (GSD3). Also called: FORBES DISEASE; Cori disease. Identifiers: Orphanet 366, MedGen C0017922, MONDO:0009291, OMIM 232400.

Allele frequency attached by ClinVar (database versions not stated): gnomAD exomes below 0.00001.

Submissions (4):

Baylor Genetics
Classification: Pathogenic for Glycogen storage disease type III. Last evaluated: 2024-01-23. Review status: criteria provided, single submitter. Criteria: ACMG Guidelines, 2015. Collection method: clinical testing. Allele origin: unknown.

Genome-Nilou Lab
Classification: Likely pathogenic for Glycogen storage disease type III. Last evaluated: 2023-04-11. Review status: criteria provided, single submitter. Criteria: ACMG Guidelines, 2015. Collection method: clinical testing. Allele origin: germline. Affected: no.

Labcorp Genetics (formerly Invitae), Labcorp
Classification: Pathogenic for Glycogen storage disease type III. Last evaluated: 2022-09-20. Review status: criteria provided, single submitter. Criteria: Invitae Variant Classification Sherloc (09022015). Collection method: clinical testing. Allele origin: germline.
Comment: This sequence change creates a premature translational stop signal (p.Glu1450*) in the AGL gene. It is expected to result in an absent or disrupted protein product. Loss-of-function variants in AGL are known to be pathogenic (PMID: 19299494). For these reasons, this variant has been classified as Pathogenic. Algorithms developed to predict the effect of sequence changes on RNA splicing suggest that this variant may disrupt the consensus splice site. ClinVar contains an entry for this variant (Variation ID: 558208). This premature translational stop signal has been observed in individual(s) with clinical features of glycogen storage disease III (PMID: 15833157). This variant is not present in population databases (gnomAD no frequency).

Counsyl
Classification: Likely pathogenic for Glycogen storage disease type III. Last evaluated: 2018-05-10. Review status: no assertion criteria provided. Collection method: clinical testing. Allele origin: unknown. Not counted in ClinVar's aggregate classification.

Literature cited by the submitters: PubMed 19299494 (cited by Labcorp Genetics (formerly Invitae), Labcorp); PubMed 15833157 (cited by Labcorp Genetics (formerly Invitae), Labcorp and Counsyl).